The following is an entry in ClinVar:

NM_000257.4(MYH7):c.1783C>A (p.Gln595Lys)

Gene: MYH7 (myosin heavy chain 7; minus strand). Cytogenetic location: 14q11.2.
Variant type: single nucleotide variant.
Coding change: c.1783C>A on transcript NM_000257.4 (MANE Select); coding-DNA position 1783, C replaced by A.
Protein change: p.Gln595Lys; replaces glutamine 595 with lysine.
Molecular consequence: missense variant.
Genome position (GRCh38, 1-based): chr14:23,427,690, G>T on the plus strand (C>A on the coding strand, the complement: MYH7 is on the minus strand). VCF-style: chr14-23427690-G-T. GRCh37 (hg19) VCF-style: chr14-23896899-G-T.
Other names: short protein forms Q595K.
Identifiers: ClinVar variation 3072345 (VCV003072345.1), dbSNP rs1595085351, ClinGen allele CA389049827.
Genomic context (GRCh38, chr14:23,427,690, plus strand): 5'-TGAGGGAAGACTTCTGATACAAGCCCACGACAGTCTCATTGAGAGGATCCTTGTTCTTCT[G>T]CAGCCAGCCAATGATGTTGTAGTCCACGATGCCGGCATAGTGGATCAGGGAGAAGTGGGC-3'
Protein context (NP_000248.2, residues 585-605): IVDYNIIGWL[Gln595Lys]KNKDPLNETV

ClinVar aggregate classification (germline): Uncertain significance (1 of 4 stars; one submission).

Conditions:
Cardiomyopathy (CMYO). Also called: Cardiomyopathies. Identifiers: Orphanet 167848, MedGen C0878544, MONDO:0004994, HP:0001638. Inheritance: Various modes of inheritance.

Allele frequency attached by ClinVar (database versions not stated): gnomAD exomes below 0.00001.
gnomAD v4.1: 5 of 1,614,208 alleles (0.00031%); highest among the groups gnomAD compares: Non-Finnish European, 0.00042%; no homozygotes.

Submission:

All of Us Research Program, National Institutes of Health
Classification: Uncertain significance for Cardiomyopathy. Last evaluated: 2023-07-10. Review status: criteria provided, single submitter. Criteria: ACMG Guidelines, 2015. Collection method: clinical testing. Allele origin: germline. Inheritance: Autosomal dominant inheritance. Observed: 1 variant allele, 1 heterozygote.
Comment: This missense variant replaces glutamine with lysine at codon 595 of the MYH7 protein. Computational prediction suggests that this variant may not impact protein structure and function (internally defined REVEL score threshold <= 0.5, PMID: 27666373). To our knowledge, functional studies have not been reported for this variant. This variant has not been reported in individuals affected with MYH7-related disorders in the literature. This variant has not been identified in the general population by the Genome Aggregation Database (gnomAD). The available evidence is insufficient to determine the role of this variant in disease conclusively. Therefore, this variant is classified as a Variant of Uncertain Significance.

This study involves interpretation of variants in research participants for the purpose of population health screening. Participant phenotype was not available at the time of variant classification. Additional details can be found in publication PMID: 35346344, PMCID: PMC8962531